The following is an entry in ClinVar:

ClinVar aggregate classification (germline): Uncertain significance (1 of 4 stars; one submission).

Conditions:
Oto-palato-digital syndrome, type II (OPD2). Also called: Otopalatodigital Syndrome Type 2 (FLNA-OPD2); Otopalatodigital Syndrome, Type II; FACIOPALATOOSSEOUS SYNDROME; OPD II SYNDROME. Identifiers: Orphanet 669, Orphanet 90652, MedGen C1844696, MONDO:0010571, OMIM 304120.
Frontometaphyseal dysplasia (FMD1). Identifiers: Orphanet 1826, MedGen C0265293, MONDO:0015942.
Melnick-Needles syndrome (MNS). Also called: Melnick-Needles Syndrome (FLNA-MNS); MELNICK-NEEDLES OSTEODYSPLASTY; OSTEODYSPLASTY OF MELNICK AND NEEDLES. Identifiers: Orphanet 2484, MedGen C0025237, MONDO:0010650, OMIM 309350.
Heterotopia, periventricular, X-linked dominant (PVNH1). Also called: PERIVENTRICULAR NODULAR HETEROTOPIA 4; HETEROTOPIA, PERIVENTRICULAR, 1; X-linked periventricular heterotopia; PERIVENTRICULAR NODULAR HETEROTOPIA 1. Identifiers: Orphanet 2149, Orphanet 82004, MedGen C1848213, MONDO:0010233, OMIM 300049.

Allele frequency attached by ClinVar (database versions not stated): TOPMed 0.00001.
gnomAD v4.1: 1 of 1,211,636 alleles (0.000083%); no homozygotes.

Submission:

Labcorp Genetics (formerly Invitae), Labcorp
Classification: Uncertain significance for Oto-palato-digital syndrome, type II; Heterotopia, periventricular, X-linked dominant; Frontometaphyseal dysplasia; Melnick-Needles syndrome. Last evaluated: 2022-04-22. Review status: criteria provided, single submitter. Criteria: Invitae Variant Classification Sherloc (09022015). Collection method: clinical testing. Allele origin: germline.
Comment: In summary, the available evidence is currently insufficient to determine the role of this variant in disease. Therefore, it has been classified as a Variant of Uncertain Significance. Advanced modeling of protein sequence and biophysical properties (such as structural, functional, and spatial information, amino acid conservation, physicochemical variation, residue mobility, and thermodynamic stability) performed at Invitae indicates that this missense variant is not expected to disrupt FLNA protein function. This variant has not been reported in the literature in individuals affected with FLNA-related conditions. This variant is not present in population databases (gnomAD no frequency). This sequence change replaces isoleucine, which is neutral and non-polar, with asparagine, which is neutral and polar, at codon 2385 of the FLNA protein (p.Ile2385Asn).

NM_001110556.2(FLNA):c.7178T>A (p.Ile2393Asn)

Gene: FLNA (filamin A; minus strand). Cytogenetic location: Xq28.
Variant type: single nucleotide variant.
Coding change: c.7178T>A on transcript NM_001110556.2 (MANE Select); coding-DNA position 7178, T replaced by A.
Protein change: p.Ile2393Asn; replaces isoleucine 2393 with asparagine.
Molecular consequence: missense variant.
Genome position (GRCh38, 1-based): chrX:154,350,186, A>T on the plus strand (T>A on the coding strand, the complement: FLNA is on the minus strand). VCF-style: chrX-154350186-A-T. GRCh37 (hg19) VCF-style: chrX-153578554-A-T.
Other names: c.7154T>A, p.Ile2385Asn (NM_001456.4); short protein forms I2393N, I2385N.
Identifiers: ClinVar variation 2169256 (VCV002169256.4), dbSNP rs2067608239, ClinGen allele CA415184413.